The following is an entry in ClinVar:

ClinVar aggregate classification (germline): Benign/Likely benign. Review status: criteria provided, multiple submitters, no conflicts (2 of 4 stars). 14 submissions from 14 submitters: Benign (11); Likely benign (1). 2 of the submissions do not count toward it. Last evaluated 2026-02-04.

Conditions:
Ehlers-Danlos syndrome, classic type, 1 (EDSCL1). Also called: Ehlers-Danlos syndrome, type 1; Ehlers-Danlos Syndrome, Classic Type, COL5A1-Related; EDS I; EHLERS-DANLOS SYNDROME, GRAVIS TYPE; EHLERS-DANLOS SYNDROME, SEVERE CLASSIC TYPE. Identifiers: MedGen C0268335, MONDO:0019567, OMIM 130000.
Ehlers-Danlos syndrome, classic type, 2 (EDSCL2). Also called: Ehlers-Danlos syndrome, type 2; Ehlers-Danlos Syndrome, Classic Type, COL5A2-Related; Ehlers-Danlos syndrome type 2 (formerly). Identifiers: Orphanet 287, Orphanet 90318, MedGen C0268336, MONDO:0019568, OMIM 130010.
Ehlers-Danlos syndrome (EDS). Identifiers: Orphanet 98249, MedGen C0013720, MONDO:0020066.
Familial thoracic aortic aneurysm and aortic dissection (TAAD). Also called: Thoracic aortic aneurysms and dissections. Identifiers: Orphanet 91387, MedGen C4707243, MONDO:0019625.

Allele frequency attached by ClinVar (database versions not stated): 1000 Genomes Project 0.01158; 1000 Genomes Project 30x 0.01296; TOPMed 0.02816; gnomAD exomes 0.03166 and 0.04698; ExAC 0.03241; gnomAD 0.03259 and 0.03364; ESP Exome Variant Server 0.03975.
gnomAD v4.1: 73,247 of 1,613,706 alleles (4.5%); highest among the groups gnomAD compares: Non-Finnish European, 5.4%; 1,961 homozygotes.

Submissions (14):

Labcorp Genetics (formerly Invitae), Labcorp
Classification: Benign for Ehlers-Danlos syndrome, classic type, 1. Last evaluated: 2026-02-04. Review status: criteria provided, single submitter. Criteria: Invitae Variant Classification Sherloc (09022015). Collection method: clinical testing. Allele origin: germline.

ARUP Laboratories, Molecular Genetics and Genomics, ARUP Laboratories
Classification: Benign for Ehlers-Danlos syndrome, classic type, 2. Last evaluated: 2025-07-28. Review status: criteria provided, single submitter. Criteria: ARUP Molecular Germline Variant Investigation Process 2024. Collection method: clinical testing. Allele origin: germline.

Molecular Diagnostic Laboratory for Inherited Cardiovascular Disease, Montreal Heart Institute
Classification: Benign. Last evaluated: 2025-04-09. Review status: criteria provided, single submitter. Criteria: ACMG Guidelines, 2015. Collection method: clinical testing. Allele origin: germline. Affected: no.

Blueprint Genetics
Classification: Benign. Last evaluated: 2024-11-26. Review status: criteria provided, single submitter. Criteria: ACMG Guidelines, 2015. Collection method: clinical testing. Allele origin: germline.

Genome Diagnostics Laboratory, The Hospital for Sick Children
Classification: Benign for Ehlers-Danlos syndrome. Last evaluated: 2022-06-10. Review status: criteria provided, single submitter. Criteria: ACMG Guidelines, 2015. Collection method: clinical testing. Allele origin: germline.

Illumina Laboratory Services, Illumina
Classification: Benign for Ehlers-Danlos syndrome, classic type, 2. Last evaluated: 2018-01-12. Review status: criteria provided, single submitter. Criteria: ICSL Variant Classification Criteria 13 December 2019. Collection method: clinical testing. Allele origin: germline.
Comment: This variant was observed in the ICSL laboratory as part of a predisposition screen in an ostensibly healthy population. It had not been previously curated by ICSL or reported in the Human Gene Mutation Database (HGMD: prior to June 1st, 2018), and was therefore a candidate for classification through an automated scoring system. Utilizing variant allele frequency, disease prevalence and penetrance estimates, and inheritance mode, an automated score was calculated to assess if this variant is too frequent to cause the disease. Based on the score and internal cut-off values, a variant classified as benign is not then subjected to further curation. The score for this variant resulted in a classification of benign for this disease.

Mayo Clinic Laboratories, Mayo Clinic
Classification: Benign. Last evaluated: 2017-12-04. Review status: criteria provided, single submitter. Criteria: ACMG Guidelines, 2015. Collection method: clinical testing. Allele origin: germline. Observed: 506 variant alleles.

Women's Health and Genetics/Laboratory Corporation of America, LabCorp
Classification: Benign. Last evaluated: 2017-03-21. Review status: criteria provided, single submitter. Criteria: LabCorp Variant Classification Summary - May 2015. Collection method: clinical testing. Allele origin: germline.
Comment: Variant summary: The COL5A2 c.1378C>T (p.Pro460Ser) variant involves the alteration of a conserved nucleotide, resulting in a missense substitution. The variant does not lie within a known functional domain (InterPro and UniProt) and 2/3 in silico tools predict a benign outcome for this variant (SNPs&GO not captured due to low reliability index). This variant was found in the large control database ExAC at a frequency of 0.0324101 (3927/121166 control chromosomes [80 homozygotes]), which is approximately 25928 times the estimated maximal expected allele frequency of a pathogenic COL5A2 variant (0.0000013), suggesting this variant is likely a benign polymorphism. In addition, multiple clinical diagnostic laboratories/reputable databases classified this variant as benign. To our knowledge, the variant of interest has not been reported in affected individuals via publications, nor has it been evaluated for functional impact by in vivo/vitro studies. Taken together, this variant is classified as benign.

Ambry Genetics
Classification: Benign for Familial thoracic aortic aneurysm and aortic dissection. Last evaluated: 2015-02-04. Review status: criteria provided, single submitter. Criteria: Ambry Variant Classification Scheme 2023. Collection method: clinical testing. Allele origin: germline.

GeneDx
Classification: Benign. Last evaluated: 2012-11-27. Review status: criteria provided, single submitter. Criteria: GeneDx Variant Classification (06012015). Collection method: clinical testing. Allele origin: germline. Affected: yes.
Comment: This variant is considered likely benign or benign based on one or more of the following criteria: it is a conservative change, it occurs at a poorly conserved position in the protein, it is predicted to be benign by multiple in silico algorithms, and/or has population frequency not consistent with disease.

Breakthrough Genomics
Classification: Likely benign. Review status: criteria provided, single submitter. Criteria: ACMG Guidelines, 2015. Collection method: not provided. Allele origin: germline. Inheritance: Autosomal dominant inheritance. Affected: yes.

PreventionGenetics, part of Exact Sciences
Classification: Benign. Review status: criteria provided, single submitter. Criteria: ACMG Guidelines, 2015. Collection method: clinical testing. Allele origin: germline.

Genome Diagnostics Laboratory, Amsterdam University Medical Center
Classification: Benign. Review status: no assertion criteria provided. Collection method: clinical testing. Allele origin: germline. Affected: yes. Study: VKGL Data-share Consensus. Not counted in ClinVar's aggregate classification.

Genome Diagnostics Laboratory, University Medical Center Utrecht
Classification: Benign. Review status: no assertion criteria provided. Collection method: clinical testing. Allele origin: germline. Affected: yes. Study: VKGL Data-share Consensus. Not counted in ClinVar's aggregate classification.

NM_000393.5(COL5A2):c.1378C>T (p.Pro460Ser)

Gene: COL5A2 (collagen type V alpha 2 chain; minus strand). Cytogenetic location: 2q32.2.
Variant type: single nucleotide variant.
Coding change: c.1378C>T on transcript NM_000393.5 (MANE Select); coding-DNA position 1378, C replaced by T.
Protein change: p.Pro460Ser; replaces proline 460 with serine.
Molecular consequence: missense variant.
Genome position (GRCh38, 1-based): chr2:189,068,038, G>A on the plus strand (C>T on the coding strand, the complement: COL5A2 is on the minus strand). VCF-style: chr2-189068038-G-A. GRCh37 (hg19) VCF-style: chr2-189932764-G-A.
Other names: p.P460S:CCT>TCT; c.1378C>T (NM_000393.4); short protein forms P460S.
Identifiers: ClinVar variation 136939 (VCV000136939.43), dbSNP rs35830636, ClinGen allele CA290372.
Genomic context (GRCh38, chr2:189,068,038, plus strand): 5'-TACACTAAAGGATGATAGTTCTTTCAAAGGTCATTACCGGTTGGCCTCGAATTCCCTGAG[G>A]ACCAGTGCTACCCTGAGGTCCTGGAGATCCAGGAGGCCCTGCTGAGCCAGGAGGACCAGA-3'
Protein context (NP_000384.2, residues 450-470): GSPGPQGSTG[Pro460Ser]QGIRGQPGDP